The following is an entry in ClinVar:

NM_014714.4(IFT140):c.4318C>T (p.Arg1440Cys)

Gene: IFT140 (intraflagellar transport 140; minus strand). Cytogenetic location: 16p13.3.
Variant type: single nucleotide variant.
Coding change: c.4318C>T on transcript NM_014714.4 (MANE Select); coding-DNA position 4318, C replaced by T.
Protein change: p.Arg1440Cys; replaces arginine 1440 with cysteine.
Molecular consequence: missense variant.
Genome position (GRCh38, 1-based): chr16:1,511,015, G>A on the plus strand (C>T on the coding strand, the complement: IFT140 is on the minus strand). VCF-style: chr16-1511015-G-A. GRCh37 (hg19) VCF-style: chr16-1561016-G-A.
Other names: short protein forms R1440C.
Identifiers: ClinVar variation 465320 (VCV000465320.33), dbSNP rs758535401, ClinGen allele CA7812785.

ClinVar aggregate classification (germline): Uncertain significance. Review status: criteria provided, multiple submitters, no conflicts (2 of 4 stars). 6 submissions from 6 submitters: Uncertain significance (6). Last evaluated 2026-08-01.

Conditions:
Saldino-Mainzer syndrome (SRTD9). Also called: Renal dysplasia, retinal pigmentary dystrophy, cerebellar ataxia and skeletal dysplasia; SHORT-RIB THORACIC DYSPLASIA 9 WITHOUT POLYDACTYLY; CONORENAL SYNDROME; short-rib thoracic dysplasia 9 with or without polydactyly. Identifiers: Orphanet 140969, MedGen C1849437, MONDO:0009964, OMIM 266920.
Retinitis pigmentosa 80 (RP80). Identifiers: MedGen C4540439, MONDO:0054708, OMIM 617781.
Inborn genetic diseases. Identifiers: MedGen C0950123, MeSH D030342.
IFT140-related disorder. Also called: IFT140-related condition.

Allele frequency attached by ClinVar (database versions not stated): TOPMed 0.00006; gnomAD 0.00007; gnomAD exomes 0.00008 and 0.00013; ExAC 0.00011.
gnomAD v4.1: 194 of 1,607,838 alleles (0.012%); highest among the groups gnomAD compares: Non-Finnish European, 0.016%; no homozygotes.

Submissions (6):

PreventionGenetics, part of Exact Sciences
Classification: Uncertain significance for IFT140-related condition. Last evaluated: 2026-08-01. Review status: criteria provided, single submitter. Criteria: ACMG Guidelines, 2015. Collection method: clinical testing. Allele origin: germline.
Comment: The IFT140 c.4318C>T variant is predicted to result in the amino acid substitution p.Arg1440Cys. To our knowledge, this variant has not been reported in the literature. This variant is present in 0.017% of alleles in individuals of European (Non-Finnish) descent in gnomAD. At this time, the clinical significance of this variant is uncertain due to the absence of conclusive functional and genetic evidence.

Labcorp Genetics (formerly Invitae), Labcorp
Classification: Uncertain significance for Saldino-Mainzer syndrome. Last evaluated: 2025-02-03. Review status: criteria provided, single submitter. Criteria: Invitae Variant Classification Sherloc (09022015). Collection method: clinical testing. Allele origin: germline.
Comment: This sequence change replaces arginine, which is basic and polar, with cysteine, which is neutral and slightly polar, at codon 1440 of the IFT140 protein (p.Arg1440Cys). This variant is present in population databases (rs758535401, gnomAD 0.02%). This variant has not been reported in the literature in individuals affected with IFT140-related conditions. ClinVar contains an entry for this variant (Variation ID: 465320). Invitae Evidence Modeling of protein sequence and biophysical properties (such as structural, functional, and spatial information, amino acid conservation, physicochemical variation, residue mobility, and thermodynamic stability) indicates that this missense variant is not expected to disrupt IFT140 protein function with a negative predictive value of 80%. In summary, the available evidence is currently insufficient to determine the role of this variant in disease. Therefore, it has been classified as a Variant of Uncertain Significance.

Fulgent Genetics
Classification: Uncertain significance for Saldino-Mainzer syndrome; Retinitis pigmentosa 80. Last evaluated: 2024-06-17. Review status: criteria provided, single submitter. Criteria: ACMG Guidelines, 2015. Collection method: clinical testing. Allele origin: germline.

CeGaT Center for Human Genetics Tuebingen
Classification: Uncertain significance. Last evaluated: 2024-02-01. Review status: criteria provided, single submitter. Criteria: CeGaT Center For Human Genetics Tuebingen Variant Classification Criteria Version 2. Collection method: clinical testing. Allele origin: germline. Affected: yes. Observed: 1 variant allele.
Comment: IFT140: PM2, BP4

Ambry Genetics
Classification: Uncertain significance for Inborn genetic diseases. Last evaluated: 2022-09-14. Review status: criteria provided, single submitter. Criteria: Ambry Variant Classification Scheme 2023. Collection method: clinical testing. Allele origin: germline.

Blueprint Genetics
Classification: Uncertain significance. Last evaluated: 2022-08-31. Review status: criteria provided, single submitter. Criteria: ACMG Guidelines, 2015. Collection method: clinical testing. Allele origin: germline.